The following is an entry in ClinVar:

NM_002860.4(ALDH18A1):c.634A>G (p.Arg212Gly)

Gene: ALDH18A1 (aldehyde dehydrogenase 18 family member A1; minus strand). Cytogenetic location: 10q24.1.
Variant type: single nucleotide variant.
Coding change: c.634A>G on transcript NM_002860.4 (MANE Select); coding-DNA position 634, A replaced by G.
Protein change: p.Arg212Gly; replaces arginine 212 with glycine.
Molecular consequence: missense variant. On other transcripts: 5 prime UTR variant (1).
Genome position (GRCh38, 1-based): chr10:95,633,574, T>C on the plus strand (A>G on the coding strand, the complement: ALDH18A1 is on the minus strand). VCF-style: chr10-95633574-T-C. GRCh37 (hg19) VCF-style: chr10-97393331-T-C.
Other names: c.634A>G, p.Arg212Gly (NM_001017423.2, NM_001323413.2, NM_001323414.2 and 1 more transcripts); c.301A>G, p.Arg101Gly (NM_001323412.2, NM_001323416.2, NM_001323418.2); c.529A>G, p.Arg177Gly (NM_001323417.2); c.-3A>G (NM_001323419.2); short protein forms R101G, R177G, R212G.
Identifiers: ClinVar variation 3760766 (VCV003760766.2).

ClinVar aggregate classification (germline): Uncertain significance (1 of 4 stars; one submission).

Conditions:
Cutis laxa, autosomal dominant 3 (ADCL3). Identifiers: Orphanet 90348, MedGen C4225268, MONDO:0014706, OMIM 616603.
Autosomal dominant spastic paraplegia type 9. Identifiers: MedGen C1832669, MONDO:0015091.
de Barsy syndrome. Also called: Cutis laxa-corneal clouding-oligophrenia syndrome. Identifiers: Orphanet 2962, MedGen C0268354, MONDO:0017569.

gnomAD v4.1: 7 of 1,614,058 alleles (0.00043%); highest among the groups gnomAD compares: African/African-American, 0.0013%; no homozygotes.

Submission:

Labcorp Genetics (formerly Invitae), Labcorp
Classification: Uncertain significance for Autosomal dominant spastic paraplegia type 9; de Barsy syndrome; Cutis laxa, autosomal dominant 3. Last evaluated: 2024-10-29. Review status: criteria provided, single submitter. Criteria: Invitae Variant Classification Sherloc (09022015). Collection method: clinical testing. Allele origin: germline.
Comment: This sequence change replaces arginine, which is basic and polar, with glycine, which is neutral and non-polar, at codon 212 of the ALDH18A1 protein (p.Arg212Gly). This variant is present in population databases (rs754462933, gnomAD 0.0009%). This variant has not been reported in the literature in individuals affected with ALDH18A1-related conditions. Invitae Evidence Modeling of protein sequence and biophysical properties (such as structural, functional, and spatial information, amino acid conservation, physicochemical variation, residue mobility, and thermodynamic stability) indicates that this missense variant is not expected to disrupt ALDH18A1 protein function with a negative predictive value of 95%. In summary, the available evidence is currently insufficient to determine the role of this variant in disease. Therefore, it has been classified as a Variant of Uncertain Significance.